The following is an entry in ClinVar:

ClinVar aggregate classification (germline): Uncertain significance (1 of 4 stars; one submission).

Conditions:
Charcot-Marie-Tooth disease dominant intermediate B (CMTDIB). Also called: CHARCOT-MARIE-TOOTH NEUROPATHY, DOMINANT INTERMEDIATE B; Charcot-Marie-Tooth disease dominant intermediate 1; CMT DI1; Charcot-Marie-Tooth disease dominant intermediate I. Identifiers: Orphanet 100044, Orphanet 228179, MedGen C1847902, MONDO:0011674, OMIM 606482.

Allele frequency attached by ClinVar (database versions not stated): gnomAD exomes 0.00001; ExAC 0.00002.
gnomAD v4.1: 10 of 1,614,184 alleles (0.00062%); highest among the groups gnomAD compares: South Asian, 0.0055%; no homozygotes.

Submission:

Labcorp Genetics (formerly Invitae), Labcorp
Classification: Uncertain significance for Charcot-Marie-Tooth disease dominant intermediate B. Last evaluated: 2024-06-15. Review status: criteria provided, single submitter. Criteria: Invitae Variant Classification Sherloc (09022015). Collection method: clinical testing. Allele origin: germline.
Comment: This sequence change replaces asparagine, which is neutral and polar, with serine, which is neutral and polar, at codon 437 of the DNM2 protein (p.Asn437Ser). This variant is present in population databases (rs778187114, gnomAD 0.006%). This variant has not been reported in the literature in individuals affected with DNM2-related conditions. ClinVar contains an entry for this variant (Variation ID: 1059972). Advanced modeling of protein sequence and biophysical properties (such as structural, functional, and spatial information, amino acid conservation, physicochemical variation, residue mobility, and thermodynamic stability) has been performed at Invitae for this missense variant, however the output from this modeling did not meet the statistical confidence thresholds required to predict the impact of this variant on DNM2 protein function. In summary, the available evidence is currently insufficient to determine the role of this variant in disease. Therefore, it has been classified as a Variant of Uncertain Significance.

NM_001005361.3(DNM2):c.1196+735A>G

Gene: DNM2 (dynamin 2; plus strand). Cytogenetic location: 19p13.2.
Variant type: single nucleotide variant.
Coding change: c.1196+735A>G on transcript NM_001005361.3 (MANE Select); 735 bases into the intron after coding-DNA position 1196, A replaced by G.
Molecular consequence: intron variant. On other transcripts: missense variant (3).
Genome position (GRCh38, 1-based): chr19:10,796,174, A>G. VCF-style: chr19-10796174-A-G. GRCh37 (hg19) VCF-style: chr19-10906850-A-G.
Other names: c.1310A>G, p.Asn437Ser (NM_001005360.3, NM_001190716.2, NM_004945.4); c.1196+735A>G (NM_001005362.3); short protein forms N437S.
Identifiers: ClinVar variation 1059972 (VCV001059972.9), dbSNP rs778187114, ClinGen allele CA9201046.